The following is an entry in ClinVar:

GRCh38/hg38 15q15.1(chr15:41865122-42329484)x3

Genes: EHD4 (EH domain containing 4; minus strand), EHD4-AS1 (EHD4 antisense RNA 1; plus strand), GANC (glucosidase alpha, neutral C; plus strand), MIR4310 (microRNA 4310; minus strand), MIR627 (microRNA 627; minus strand) and 28 more. Cytogenetic location: 15q15.1.
Variant type: copy number gain.
Change: copy number 3 (three copies instead of two) of chr15:41,865,122-42,329,484 (464.4 kb, GRCh38 coordinates, 1-based), cytogenetic band 15q15.1.
Identifiers: ClinVar variation 57437 (VCV000057437.1).

ClinVar aggregate classification (germline): Uncertain significance (1 of 4 stars; one submission).

Submission:

ISCA site 4
Classification: Uncertain significance. Last evaluated: 2011-08-12. Review status: criteria provided, single submitter. Criteria: Kaminsky et al. (Genet Med. 2011). Collection method: clinical testing. Allele origin: paternal. Affected: yes. Observed: 1 variant allele.
Comment: Copy number variation identified through the course of routine clinical cytogenomic testing in postnatal populations. Clinical assertions have been curated as described in Kaminsky et al. 2011.